The following is an entry in ClinVar:

NM_001080517.3(SETD5):c.3782C>G (p.Pro1261Arg)

Gene: SETD5 (SET domain containing 5; plus strand). Cytogenetic location: 3p25.3.
Variant type: single nucleotide variant.
Coding change: c.3782C>G on transcript NM_001080517.3 (MANE Select); coding-DNA position 3782, C replaced by G.
Protein change: p.Pro1261Arg; replaces proline 1261 with arginine.
Molecular consequence: missense variant.
Genome position (GRCh38, 1-based): chr3:9,475,544, C>G. VCF-style: chr3-9475544-C-G. GRCh37 (hg19) VCF-style: chr3-9517228-C-G.
Other names: c.3488C>G, p.Pro1163Arg (NM_001292043.2, NM_001349451.2); short protein forms P1163R, P1261R.
Identifiers: ClinVar variation 2980292 (VCV002980292.3), dbSNP rs759034457, ClinGen allele CA2239801.

ClinVar aggregate classification (germline): Uncertain significance (1 of 4 stars; one submission).

Allele frequency attached by ClinVar (database versions not stated): TOPMed below 0.00001; ExAC 0.00001.
gnomAD v4.1: 4 of 1,613,922 alleles (0.00025%); highest among the groups gnomAD compares: South Asian, 0.0011%; no homozygotes.

Submission:

Labcorp Genetics (formerly Invitae), Labcorp
Classification: Uncertain significance. Last evaluated: 2023-03-03. Review status: criteria provided, single submitter. Criteria: Invitae Variant Classification Sherloc (09022015). Collection method: clinical testing. Allele origin: germline.
Comment: This sequence change replaces proline, which is neutral and non-polar, with arginine, which is basic and polar, at codon 1261 of the SETD5 protein (p.Pro1261Arg). This variant is present in population databases (rs759034457, gnomAD 0.003%). This variant has not been reported in the literature in individuals affected with SETD5-related conditions. Advanced modeling of protein sequence and biophysical properties (such as structural, functional, and spatial information, amino acid conservation, physicochemical variation, residue mobility, and thermodynamic stability) has been performed at Invitae for this missense variant, however the output from this modeling did not meet the statistical confidence thresholds required to predict the impact of this variant on SETD5 protein function. In summary, the available evidence is currently insufficient to determine the role of this variant in disease. Therefore, it has been classified as a Variant of Uncertain Significance.